The following is an entry in ClinVar:

NM_001844.5(COL2A1):c.4231_4240del (p.Leu1411fs)

Gene: COL2A1 (collagen type II alpha 1 chain; minus strand). Cytogenetic location: 12q13.11.
Variant type: Deletion.
Coding change: c.4231_4240del on transcript NM_001844.5 (MANE Select); coding-DNA positions 4231 to 4240, 10 bases deleted (CTGCTCATCC; older notation c.4231_4240delCTGCTCATCC).
Protein change: p.Leu1411fs; shifts the reading frame from leucine 1411.
Molecular consequence: frameshift variant.
Genome position (GRCh38, 1-based): chr12:47,974,166-47,974,175, GGATGAGCAG deleted on the plus strand (CTGCTCATCC on the coding strand, the reverse complement: COL2A1 is on the minus strand); deleting any 10 consecutive bases within chr12:47,974,166-47,974,177 gives the same sequence; the c. name uses the placement nearest the transcript's 3' end. VCF-style (leftmost placement, unchanged base first): chr12-47974165-TGGATGAGCAG-T. GRCh37 (hg19) VCF-style: chr12-48367948-TGGATGAGCAG-T.
Other names: c.4024_4033del, p.Leu1342fs (NM_033150.3); short protein forms L1342fs, L1411fs.
Identifiers: ClinVar variation 2705457 (VCV002705457.3), dbSNP rs2540094635, ClinGen allele CA2697559171.

ClinVar aggregate classification (germline): Pathogenic (1 of 4 stars; one submission).

Submission:

Labcorp Genetics (formerly Invitae), Labcorp
Classification: Pathogenic. Last evaluated: 2024-01-12. Review status: criteria provided, single submitter. Criteria: Invitae Variant Classification Sherloc (09022015). Collection method: clinical testing. Allele origin: germline.
Comment: This sequence change creates a premature translational stop signal (p.Leu1411Argfs*21) in the COL2A1 gene. While this is not anticipated to result in nonsense mediated decay, it is expected to disrupt the last 77 amino acid(s) of the COL2A1 protein. This variant is not present in population databases (gnomAD no frequency). This variant has not been reported in the literature in individuals affected with COL2A1-related conditions. This variant disrupts a region of the COL2A1 protein in which other variant(s) (p.Lys1444Asnfs*27) have been determined to be pathogenic (PMID: 23545312). This suggests that this is a clinically significant region of the protein, and that variants that disrupt it are likely to be disease-causing. For these reasons, this variant has been classified as Pathogenic.

Literature cited by the submitters: PubMed 23545312.